The following is an entry in ClinVar:

NM_001365276.2(TNXB):c.9673G>A (p.Glu3225Lys)

Gene: TNXB (tenascin XB; minus strand). Cytogenetic location: 6p21.33.
Variant type: single nucleotide variant.
Coding change: c.9673G>A on transcript NM_001365276.2 (MANE Select); coding-DNA position 9673, G replaced by A.
Protein change: p.Glu3225Lys; replaces glutamic acid 3225 with lysine.
Molecular consequence: missense variant.
Genome position (GRCh38, 1-based): chr6:32,049,354, C>T on the plus strand (G>A on the coding strand, the complement: TNXB is on the minus strand). VCF-style: chr6-32049354-C-T. GRCh37 (hg19) VCF-style: chr6-32017131-C-T.
Other names: c.10414G>A, p.Glu3472Lys (NM_001428335.1); c.9667G>A, p.Glu3223Lys (NM_019105.8); short protein forms E3472K, E3223K, E3225K.
Identifiers: ClinVar variation 3459800 (VCV003459800.1).

ClinVar aggregate classification (germline): Uncertain significance (1 of 4 stars; one submission).

Conditions:
Cardiovascular phenotype. Identifiers: MedGen CN230736.

gnomAD v4.1: 9 of 1,612,382 alleles (0.00056%); highest among the groups gnomAD compares: Non-Finnish European, 0.00051%; no homozygotes.

Submission:

Ambry Genetics
Classification: Uncertain significance for Cardiovascular phenotype. Last evaluated: 2024-09-20. Review status: criteria provided, single submitter. Criteria: Ambry Variant Classification Scheme 2023. Collection method: clinical testing. Allele origin: germline.
Comment: The p.E3223K variant (also known as c.9667G>A), located in coding exon 27 of the TNXB gene, results from a G to A substitution at nucleotide position 9667. The glutamic acid at codon 3223 is replaced by lysine, an amino acid with similar properties. This amino acid position is conserved. In addition, this alteration is predicted to be tolerated by in silico analysis. Based on the available evidence, the clinical significance of this variant remains unclear.